The following is an entry in ClinVar:

NM_018344.6(SLC29A3):c.*705G>A

Gene: SLC29A3 (solute carrier family 29 member 3; plus strand). Cytogenetic location: 10q22.1.
Variant type: single nucleotide variant.
Coding change: c.*705G>A on transcript NM_018344.6 (MANE Select); 705 bases downstream of the stop codon, G replaced by A.
Molecular consequence: 3 prime UTR variant. On other transcripts: non-coding transcript variant (2).
Genome position (GRCh38, 1-based): chr10:71,363,313, G>A. VCF-style: chr10-71363313-G-A. GRCh37 (hg19) VCF-style: chr10-73123070-G-A.
Other names: c.*1362G>A (NM_001174098.2); c.*705G>A (NM_001363518.2).
Identifiers: ClinVar variation 300384 (VCV000300384.5), dbSNP rs113080025, ClinGen allele CA5543243.

ClinVar aggregate classification (germline): Benign (1 of 4 stars; one submission).

Conditions:
H syndrome. Also called: FAISALABAD HISTIOCYTOSIS; HISTIOCYTOSIS AND LYMPHADENOPATHY WITH OR WITHOUT CUTANEOUS, CARDIAC, AND/OR ENDOCRINE FEATURES, JOINT CONTRACTURES, AND/OR DEAFNESS; HYPERPIGMENTATION, CUTANEOUS, WITH HYPERTRICHOSIS, HEPATOSPLENOMEGALY, HEART ANOMALIES, AND HYPOGONADISM WITH OR WITHOUT HEARING LOSS; PIGMENTED HYPERTRICHOSIS WITH INSULIN-DEPENDENT DIABETES MELLITUS; ROSAI-DORFMAN DISEASE, FAMILIAL; SINUS HISTIOCYTOSIS AND MASSIVE LYMPHADENOPATHY. Identifiers: Orphanet 168569, MedGen C1864445, MONDO:0011273, OMIM 602782.

Allele frequency attached by ClinVar (database versions not stated): ExAC 0.00009; gnomAD exomes 0.00059 and 0.00101; gnomAD 0.00493 and 0.00529; TOPMed 0.00535; 1000 Genomes Project 30x 0.00547; 1000 Genomes Project 0.00559.
gnomAD v4.1: 933 of 454,110 alleles (0.21%); highest among the groups gnomAD compares: African/African-American, 1.7%; 12 homozygotes.

Submission:

Illumina Laboratory Services, Illumina
Classification: Benign for H syndrome. Last evaluated: 2018-01-13. Review status: criteria provided, single submitter. Criteria: ICSL Variant Classification Criteria 13 December 2019. Collection method: clinical testing. Allele origin: germline.
Comment: This variant was observed in the ICSL laboratory as part of a predisposition screen in an ostensibly healthy population. It had not been previously curated by ICSL or reported in the Human Gene Mutation Database (HGMD: prior to June 1st, 2018), and was therefore a candidate for classification through an automated scoring system. Utilizing variant allele frequency, disease prevalence and penetrance estimates, and inheritance mode, an automated score was calculated to assess if this variant is too frequent to cause the disease. Based on the score and internal cut-off values, a variant classified as benign is not then subjected to further curation. The score for this variant resulted in a classification of benign for this disease.